The following is an entry in ClinVar:

ClinVar aggregate classification (germline): Uncertain significance. Review status: criteria provided, multiple submitters, no conflicts (2 of 4 stars). 2 submissions from 2 submitters: Uncertain significance (2). Last evaluated 2025-10-14.

Allele frequency attached by ClinVar (database versions not stated): TOPMed 0.00001; ExAC 0.00006; ESP Exome Variant Server 0.00008.
gnomAD v4.1: 40 of 1,612,326 alleles (0.0025%); highest among the groups gnomAD compares: South Asian, 0.024%; no homozygotes.

Submissions (2):

Labcorp Genetics (formerly Invitae), Labcorp
Classification: Uncertain significance. Last evaluated: 2025-10-14. Review status: criteria provided, single submitter. Criteria: Invitae Variant Classification Sherloc (09022015). Collection method: clinical testing. Allele origin: germline.
Comment: This sequence change replaces arginine, which is basic and polar, with histidine, which is basic and polar, at codon 548 of the ANLN protein (p.Arg548His). This variant is present in population databases (rs376681031, gnomAD 0.03%). This variant has not been reported in the literature in individuals affected with ANLN-related conditions. ClinVar contains an entry for this variant (Variation ID: 3127056). Invitae Evidence Modeling of protein sequence and biophysical properties (such as structural, functional, and spatial information, amino acid conservation, physicochemical variation, residue mobility, and thermodynamic stability) indicates that this missense variant is not expected to disrupt ANLN protein function with a negative predictive value of 80%. In summary, the available evidence is currently insufficient to determine the role of this variant in disease. Therefore, it has been classified as a Variant of Uncertain Significance.

Ambry Genetics
Classification: Uncertain significance. Last evaluated: 2024-06-07. Review status: criteria provided, single submitter. Criteria: Ambry Variant Classification Scheme 2023. Collection method: clinical testing. Allele origin: germline.

NM_018685.5(ANLN):c.1643G>A (p.Arg548His)

Gene: ANLN (anillin, actin binding protein; plus strand). Cytogenetic location: 7p14.2.
Variant type: single nucleotide variant.
Coding change: c.1643G>A on transcript NM_018685.5 (MANE Select); coding-DNA position 1643, G replaced by A.
Protein change: p.Arg548His; replaces arginine 548 with histidine.
Molecular consequence: missense variant.
Genome position (GRCh38, 1-based): chr7:36,419,253, G>A. VCF-style: chr7-36419253-G-A. GRCh37 (hg19) VCF-style: chr7-36458862-G-A.
Other names: c.1532G>A, p.Arg511His (NM_001284301.3); c.1529G>A, p.Arg510His (NM_001284302.3); short protein forms R510H, R511H, R548H.
Identifiers: ClinVar variation 3127056 (VCV003127056.3), dbSNP rs376681031, ClinGen allele CA4219674.
Genomic context (GRCh38, chr7:36,419,253, plus strand): 5'-TAATTCTTAAATATCTGAGTCACAGTGTCCACCTATTGAAATATTTTTCAGAAGTGATAC[G>A]TGAAATTGAGATGAGTGTGGATGATGATGATATCAATAGTTCGAAAGTAATTAATGACCT-3'
Protein context (NP_061155.2, residues 538-558): PKVEQKIEVI[Arg548His]EIEMSVDDDD